The following is an entry in ClinVar:

ClinVar aggregate classification (germline): Benign. Review status: criteria provided, multiple submitters, no conflicts (2 of 4 stars). 5 submissions from 5 submitters: Benign (5). Last evaluated 2026-09-08.

Conditions:
Fabry disease. Also called: GLA DEFICIENCY; HEREDITARY DYSTOPIC LIPIDOSIS; Fabry's disease; Angiokeratoma corporis diffusum; Ceramide trihexosidosis; ALPHA-GALACTOSIDASE A DEFICIENCY. Identifiers: Orphanet 324, MedGen C0002986, MONDO:0010526, OMIM 301500, HP:0001071. Disease mechanism: loss of function, Fabry disease is due to inactivating mutations in the X-linked GLA gene resulting in deficiency of the enzyme Alpha Galactosidase-A..

Submissions (5):

Genomenon, Inc
Classification: Benign for Fabry disease. Last evaluated: 2026-09-08. Review status: criteria provided, single submitter. Criteria: Genomenon Sequence Variant Interpretation Standards - Updated. Collection method: curation. Allele origin: germline. Affected: no.
Comment: GLA c.370-81_370-77del is a deletion variant located in intron 2. This variant is present at high allele frequency in population databases. We classify GLA c.370-81_370-77del as a benign variant.

Serv. Biochemistry and Molecular genetics, Hospital Clinic de Barcelona, Hospital Clínic de Barcelona
Classification: Benign for Fabry disease. Last evaluated: 2026-05-21. Review status: criteria provided, single submitter. Criteria: ACMG Guidelines, 2015. Collection method: clinical testing. Allele origin: germline. Inheritance: X-linked inheritance. Affected: yes. Observed: 14 variant alleles. Clinical features observed: Chronic kidney disease (HP:0012622), Hypertrophic cardiomyopathy (HP:0001639), Angiokeratoma (HP:0001014), Neuropathic pain (HP:6000040).
Comment: Classification reported in the manuscript using ACMG criteria/in silico tools: VUS. Variant type: Deletion; amino acid change: c.370-79_370-83del, Criteria: BA1, BS2, BP6, BP7

Genome-Nilou Lab
Classification: Benign for Fabry disease. Last evaluated: 2021-07-15. Review status: criteria provided, single submitter. Criteria: ACMG Guidelines, 2015. Collection method: clinical testing. Allele origin: germline. Affected: no.

GeneDx
Classification: Benign. Last evaluated: 2018-06-14. Review status: criteria provided, single submitter. Criteria: GeneDx Variant Classification (06012015). Collection method: clinical testing. Allele origin: germline. Affected: yes.
Comment: This variant is considered likely benign or benign based on one or more of the following criteria: it is a conservative change, it occurs at a poorly conserved position in the protein, it is predicted to be benign by multiple in silico algorithms, and/or has population frequency not consistent with disease.

Eurofins Ntd Llc (ga)
Classification: Benign. Last evaluated: 2015-07-22. Review status: criteria provided, single submitter. Criteria: EGL Classification Definitions 2015. Collection method: clinical testing. Allele origin: germline.

NM_000169.3(GLA):c.370-81_370-77del

Genes: GLA (galactosidase alpha; minus strand), RPL36A-HNRNPH2 (RPL36A-HNRNPH2 readthrough; plus strand). Cytogenetic location: Xq22.1.
Variant type: Deletion.
Coding change: c.370-81_370-77del on transcript NM_000169.3 (MANE Select); 81 bases into the intron before coding-DNA position 370 through 77 bases into the intron before coding-DNA position 370, 5 bases deleted (CAGCC; older notation c.370-81_370-77delCAGCC).
Molecular consequence: intron variant.
Genome position (GRCh38, 1-based): chrX:101,401,886-101,401,890, GGCTG deleted on the plus strand (CAGCC on the coding strand, the reverse complement: GLA is on the minus strand); deleting any 5 consecutive bases within chrX:101,401,886-101,401,892 gives the same sequence; the c. name uses the placement nearest the transcript's 3' end. VCF-style (leftmost placement, unchanged base first): chrX-101401885-AGGCTG-A. GRCh37 (hg19) VCF-style: chrX-100656873-AGGCTG-A.
Other names: c.370-81_370-77delCAGCC (NM_000169.2); c.300+6431_300+6435del (NM_001199973.2); c.178-10048_178-10044del (NM_001199974.2); c.493-81_493-77del (NM_001406747.1, NM_001406749.1); c.370-81_370-77del (NM_001406748.1); c.370-83_370-79del (NM_000169.3).
Identifiers: ClinVar variation 222240 (VCV000222240.10), dbSNP rs5903184, ClinGen allele CA352332.
Genomic context (GRCh38, chrX:101,401,885, plus strand): 5'-GGAAAAGAGTCACCATTGTAGAAGCACAATCGTGAGGTAGCAGAAAGAGAGAACCATTCC[AGGCTG>A]GGGGAAGAGACAAGGTTACTTCACCAGGTATTGGGGGCTTTTCCCCACAAACCCCCAAAA-3'